The following is an entry in ClinVar:

ClinVar aggregate classification (germline): Uncertain significance (1 of 4 stars; one submission).

Conditions:
Cardiovascular phenotype. Identifiers: MedGen CN230736.

gnomAD v4.1: 32 of 1,614,098 alleles (0.002%); highest among the groups gnomAD compares: South Asian, 0.024%; no homozygotes.

Submission:

Ambry Genetics
Classification: Uncertain significance for Cardiovascular phenotype. Last evaluated: 2026-08-26. Review status: criteria provided, single submitter. Criteria: Ambry Variant Classification Scheme 2023. Collection method: clinical testing. Allele origin: germline.
Comment: The p.I730V variant (also known as c.2188A>G), located in coding exon 15 of the ABCA1 gene, results from an A to G substitution at nucleotide position 2188. The isoleucine at codon 730 is replaced by valine, an amino acid with highly similar properties. This amino acid position is highly conserved in available vertebrate species. In addition, the in silico prediction for this alteration is inconclusive. Based on the available evidence, the clinical significance of this variant remains unclear.

NM_005502.4(ABCA1):c.2188A>G (p.Ile730Val)

Gene: ABCA1 (ATP binding cassette subfamily A member 1; minus strand). Cytogenetic location: 9q31.1.
Variant type: single nucleotide variant.
Coding change: c.2188A>G on transcript NM_005502.4 (MANE Select); coding-DNA position 2188, A replaced by G.
Protein change: p.Ile730Val; replaces isoleucine 730 with valine.
Molecular consequence: missense variant.
Genome position (GRCh38, 1-based): chr9:104,827,097, T>C on the plus strand (A>G on the coding strand, the complement: ABCA1 is on the minus strand). VCF-style: chr9-104827097-T-C. GRCh37 (hg19) VCF-style: chr9-107589378-T-C.
Other names: short protein forms I730V.
Identifiers: ClinVar variation 5033023 (VCV005033023.1).
Genomic context (GRCh38, chr9:104,827,097, plus strand): 5'-CACAGGCTGCTGCCAGGTTGGCTCTGGAGAAGAGTGTGCTAATCAGGAAGCACTGCAGGA[T>C]TGTCACCACAGCAAACACGGACAGGAAGACAAACACCACGCTGGGATCACTGTAGGGCAG-3'
Protein context (NP_005493.2, residues 720-740): VFLSVFAVVT[Ile730Val]LQCFLISTLF